The following is an entry in ClinVar:

NM_016824.5(ADD3):c.776A>G (p.Asp259Gly)

Gene: ADD3 (adducin 3; plus strand). Cytogenetic location: 10q25.2.
Variant type: single nucleotide variant.
Coding change: c.776A>G on transcript NM_016824.5 (MANE Select); coding-DNA position 776, A replaced by G.
Protein change: p.Asp259Gly; replaces aspartic acid 259 with glycine.
Molecular consequence: missense variant.
Genome position (GRCh38, 1-based): chr10:110,119,269, A>G. VCF-style: chr10-110119269-A-G. GRCh37 (hg19) VCF-style: chr10-111879027-A-G.
Other names: c.776A>G (NM_016824.3, NM_016824.4); c.776A>G, p.Asp259Gly (NM_001121.4, NM_001320591.2, NM_001320592.2 and 2 more transcripts); c.542A>G, p.Asp181Gly (NM_001320594.2); short protein forms D259G, D181G.
Identifiers: ClinVar variation 1479355 (VCV001479355.10), dbSNP rs55763936, ClinGen allele CA5686458.
Genomic context (GRCh38, chr10:110,119,269, plus strand): 5'-AGGTATCCTCCATGAAATGTGGGATCCTTCCAATTTCTCAAGAGTCTCTTCTTCTGGGAG[A>G]TGTTGCCTATTATGACTACCAAGGGTCACTTGAAGAACAGGAGGAGAGAATTCAACTGCA-3'
Protein context (NP_058432.1, residues 249-269): PISQESLLLG[Asp259Gly]VAYYDYQGSL

ClinVar aggregate classification (germline): Uncertain significance. Review status: criteria provided, multiple submitters, no conflicts (2 of 4 stars). 3 submissions from 3 submitters: Uncertain significance (3). Last evaluated 2025-02-26.

Conditions:
Neurodevelopmental disorder with progressive spasticity and brain white matter abnormalities. Also called: CEREBRAL PALSY, SPASTIC QUADRIPLEGIC, 1. Identifiers: Orphanet 210141, Orphanet 641353, MedGen C5436628, MONDO:0033613, OMIM 619026.
Multiple congenital anomalies (MCA). Also called: CONGENITAL ANOMALIES; Multiple congenital malformations; Multiple congenital abnormalities. Identifiers: MedGen C0000772.

Allele frequency attached by ClinVar (database versions not stated): 1000 Genomes Project 0.00040; 1000 Genomes Project 30x 0.00047; gnomAD 0.00103; TOPMed 0.00105; ESP Exome Variant Server 0.00177.
gnomAD v4.1: 2,604 of 1,614,042 alleles (0.16%); highest among the groups gnomAD compares: Non-Finnish European, 0.21%; 6 homozygotes.

Submissions (4):

GeneDx
Classification: Uncertain significance. Last evaluated: 2025-02-26. Review status: criteria provided, single submitter. Criteria: GeneDx Variant Classification Process June 2021. Collection method: clinical testing. Allele origin: germline. Affected: yes.
Comment: In silico analysis supports that this missense variant has a deleterious effect on protein structure/function; Has not been previously published as pathogenic or benign to our knowledge

Labcorp Genetics (formerly Invitae), Labcorp
Classification: Uncertain significance. Last evaluated: 2024-12-15. Review status: criteria provided, single submitter. Criteria: Invitae Variant Classification Sherloc (09022015). Collection method: clinical testing. Allele origin: germline.
Comment: This sequence change replaces aspartic acid, which is acidic and polar, with glycine, which is neutral and non-polar, at codon 259 of the ADD3 protein (p.Asp259Gly). This variant is present in population databases (rs55763936, gnomAD 0.1%), and has an allele count higher than expected for a pathogenic variant. This variant has not been reported in the literature in individuals affected with ADD3-related conditions. ClinVar contains an entry for this variant (Variation ID: 1479355). Invitae Evidence Modeling of protein sequence and biophysical properties (such as structural, functional, and spatial information, amino acid conservation, physicochemical variation, residue mobility, and thermodynamic stability) indicates that this missense variant is not expected to disrupt ADD3 protein function with a negative predictive value of 80%. In summary, the available evidence is currently insufficient to determine the role of this variant in disease. Therefore, it has been classified as a Variant of Uncertain Significance.

Ambry Genetics
Classification: Uncertain significance. Last evaluated: 2021-09-27. Review status: criteria provided, single submitter. Criteria: Ambry Variant Classification Scheme 2023. Collection method: clinical testing. Allele origin: germline.

Dr. Peter K. Rogan Lab, Western University
No classification provided (evidence only). Condition: Ovarian serous cystadenocarcinoma. Review status: no classification provided. Collection method: in vitro. Allele origin: not applicable. Functional consequence: retained intron. Not counted in ClinVar's aggregate classification.